The following is an entry in ClinVar:

NM_006415.4(SPTLC1):c.1274C>G (p.Ala425Gly)

Gene: SPTLC1 (serine palmitoyltransferase long chain base subunit 1; minus strand). Cytogenetic location: 9q22.31.
Variant type: single nucleotide variant.
Coding change: c.1274C>G on transcript NM_006415.4 (MANE Select); coding-DNA position 1274, C replaced by G.
Protein change: p.Ala425Gly; replaces alanine 425 with glycine.
Molecular consequence: missense variant.
Genome position (GRCh38, 1-based): chr9:92,034,864, G>C on the plus strand (C>G on the coding strand, the complement: SPTLC1 is on the minus strand). VCF-style: chr9-92034864-G-C. GRCh37 (hg19) VCF-style: chr9-94797146-G-C.
Other names: c.809C>G, p.Ala270Gly (NM_001368273.1); c.1274C>G, p.Ala425Gly (NM_001281303.2); c.908C>G, p.Ala303Gly (NM_001368272.1); short protein forms A425G, A270G, A303G.
Identifiers: ClinVar variation 4738173 (VCV004738173.1).

ClinVar aggregate classification (germline): Uncertain significance (1 of 4 stars; one submission).

Conditions:
Hereditary sensory and autonomic neuropathy type 1 (HSAN1). Also called: HSAN 1; HSN Type I; Hereditary Sensory Neuropathy Type I. Identifiers: Orphanet 36386, MedGen C0020071, MONDO:0018213.

Submission:

Labcorp Genetics (formerly Invitae), Labcorp
Classification: Uncertain significance for Hereditary sensory and autonomic neuropathy type 1. Last evaluated: 2025-12-29. Review status: criteria provided, single submitter. Criteria: Invitae Variant Classification Sherloc (09022015). Collection method: clinical testing. Allele origin: germline.
Comment: This sequence change replaces alanine, which is neutral and non-polar, with glycine, which is neutral and non-polar, at codon 425 of the SPTLC1 protein (p.Ala425Gly). This variant is not present in population databases (gnomAD no frequency). This variant has not been reported in the literature in individuals affected with SPTLC1-related conditions. Invitae Evidence Modeling of protein sequence and biophysical properties (such as structural, functional, and spatial information, amino acid conservation, physicochemical variation, residue mobility, and thermodynamic stability) indicates that this missense variant is not expected to disrupt SPTLC1 protein function with a negative predictive value of 80%. In summary, the available evidence is currently insufficient to determine the role of this variant in disease. Therefore, it has been classified as a Variant of Uncertain Significance.